The following is an entry in ClinVar:

ClinVar aggregate classification (germline): Pathogenic (1 of 4 stars; one submission).

Submission:

Labcorp Genetics (formerly Invitae), Labcorp
Classification: Pathogenic. Last evaluated: 2023-03-26. Review status: criteria provided, single submitter. Criteria: Invitae Variant Classification Sherloc (09022015). Collection method: clinical testing. Allele origin: germline.
Comment: For these reasons, this variant has been classified as Pathogenic. This variant has not been reported in the literature in individuals affected with RAI1-related conditions. This variant is not present in population databases (gnomAD no frequency). This sequence change creates a premature translational stop signal (p.Gln1525*) in the RAI1 gene. It is expected to result in an absent or disrupted protein product. Loss-of-function variants in RAI1 are known to be pathogenic (PMID: 21857958, 24715852).

Literature cited by the submitters: PubMed 21857958; PubMed 24715852.

NM_030665.4(RAI1):c.4573C>T (p.Gln1525Ter)

Gene: RAI1 (retinoic acid induced 1; plus strand). Cytogenetic location: 17p11.2.
Variant type: single nucleotide variant.
Coding change: c.4573C>T on transcript NM_030665.4 (MANE Select); coding-DNA position 4573, C replaced by T.
Protein change: p.Gln1525Ter; replaces glutamine 1525 with a stop codon.
Molecular consequence: nonsense.
Genome position (GRCh38, 1-based): chr17:17,797,521, C>T. VCF-style: chr17-17797521-C-T. GRCh37 (hg19) VCF-style: chr17-17700835-C-T.
Other names: short protein forms Q1525*.
Identifiers: ClinVar variation 2849869 (VCV002849869.3), dbSNP rs2543620600, ClinGen allele CA398557064.
Genomic context (GRCh38, chr17:17,797,521, plus strand): 5'-GGCCTGGCCTCCCAGCCCCCGGAGGGCAGGCCCTGCCAGCCCCAGACAAGGGCACAGAAA[C>T]AGCCAGGCCACACCAACTACAGCAGCTATTCCAAGCGGAAGCGCCTCACTCGGGGCCGGG-3'